The following is an entry in ClinVar:

ClinVar aggregate classification (germline): Uncertain significance. Review status: criteria provided, multiple submitters, no conflicts (2 of 4 stars). 2 submissions from 2 submitters: Uncertain significance (2). Last evaluated 2025-06-13.

Allele frequency attached by ClinVar (database versions not stated): ExAC 0.00002; gnomAD 0.00005; TOPMed 0.00002.
gnomAD v4.1: 39 of 1,613,988 alleles (0.0024%); highest among the groups gnomAD compares: South Asian, 0.021%; no homozygotes.

Submissions (2):

Mayo Clinic Laboratories, Mayo Clinic
Classification: Uncertain significance. Last evaluated: 2025-06-13. Review status: criteria provided, single submitter. Criteria: ACMG Guidelines, 2015. Collection method: clinical testing. Allele origin: germline. Observed: 1 variant allele.
Comment: BP4, PP2, PM2_supporting

Labcorp Genetics (formerly Invitae), Labcorp
Classification: Uncertain significance. Last evaluated: 2022-08-20. Review status: criteria provided, single submitter. Criteria: Invitae Variant Classification Sherloc (09022015). Collection method: clinical testing. Allele origin: germline.
Comment: This sequence change replaces arginine, which is basic and polar, with histidine, which is basic and polar, at codon 1012 of the ARFGEF2 protein (p.Arg1012His). This variant is present in population databases (rs780594033, gnomAD 0.02%). This variant has not been reported in the literature in individuals affected with ARFGEF2-related conditions. Algorithms developed to predict the effect of missense changes on protein structure and function (SIFT, PolyPhen-2, Align-GVGD) all suggest that this variant is likely to be tolerated. In summary, the available evidence is currently insufficient to determine the role of this variant in disease. Therefore, it has been classified as a Variant of Uncertain Significance.

NM_006420.3(ARFGEF2):c.3035G>A (p.Arg1012His)

Gene: ARFGEF2 (ARF guanine nucleotide exchange factor 2; plus strand). Cytogenetic location: 20q13.13.
Variant type: single nucleotide variant.
Coding change: c.3035G>A on transcript NM_006420.3 (MANE Select); coding-DNA position 3035, G replaced by A.
Protein change: p.Arg1012His; replaces arginine 1012 with histidine.
Molecular consequence: missense variant.
Genome position (GRCh38, 1-based): chr20:48,994,512, G>A. VCF-style: chr20-48994512-G-A. GRCh37 (hg19) VCF-style: chr20-47611049-G-A.
Other names: p.Arg1012His; c.3032G>A, p.Arg1011His (NM_001410846.1); short protein forms R1012H, R1011H.
Identifiers: ClinVar variation 2054236 (VCV002054236.2), dbSNP rs780594033, ClinGen allele CA9898804.